The following is an entry in ClinVar:

ClinVar aggregate classification (germline): Uncertain significance (1 of 4 stars; one submission).

Conditions:
EP400-related disorder. Also called: EP400-related condition.

Submission:

PreventionGenetics, part of Exact Sciences
Classification: Uncertain significance for EP400-related condition. Last evaluated: 2026-07-24. Review status: criteria provided, single submitter. Criteria: ACMG Guidelines, 2015. Collection method: clinical testing. Allele origin: germline.
Comment: The EP400 c.9021+2T>G variant is predicted to disrupt the GT donor site and interfere with normal splicing. To our knowledge, this variant has not been reported in the literature or in a large population database (gnomAD), indicating this variant is rare. At this time, the clinical significance of this variant is uncertain due to the absence of conclusive functional and genetic evidence.

NM_015409.5(EP400):c.9021+2T>G

Gene: EP400 (E1A binding protein p400; plus strand). Cytogenetic location: 12q24.33.
Variant type: single nucleotide variant.
Coding change: c.9021+2T>G on transcript NM_015409.5 (MANE Select); the canonical splice donor site of the intron after coding-DNA position 9021, T replaced by G.
Molecular consequence: splice donor variant.
Genome position (GRCh38, 1-based): chr12:132,069,643, T>G. VCF-style: chr12-132069643-T-G. GRCh37 (hg19) VCF-style: chr12-132554188-T-G.
Identifiers: ClinVar variation 4996347 (VCV004996347.1).
Genomic context (GRCh38, chr12:132,069,643, plus strand): 5'-CACCCATCTCCCAGGCCCAGAAACTGGCCGGGGCCCAGCAAGTGCAGACCCAGATCCAGG[T>G]GAGCGGGGAACAGGGTGAGGGCCCGAGTGTCAGGAGTGGGTGCCCGGCCTTTGGATTGTG-3'